The following is an entry in ClinVar:

NM_032217.5(ANKRD17):c.3334C>T (p.Arg1112Ter)

Gene: ANKRD17 (ankyrin repeat domain 17; minus strand). Cytogenetic location: 4q13.3.
Variant type: single nucleotide variant.
Coding change: c.3334C>T on transcript NM_032217.5 (MANE Select); coding-DNA position 3334, C replaced by T.
Protein change: p.Arg1112Ter; replaces arginine 1112 with a stop codon.
Molecular consequence: nonsense.
Genome position (GRCh38, 1-based): chr4:73,125,213, G>A on the plus strand (C>T on the coding strand, the complement: ANKRD17 is on the minus strand). VCF-style: chr4-73125213-G-A. GRCh37 (hg19) VCF-style: chr4-73990930-G-A.
Other names: c.2581C>T, p.Arg861Ter (NM_198889.3); c.2995C>T, p.Arg999Ter (NM_001286771.3); c.3331C>T, p.Arg1111Ter (NM_015574.2); short protein forms R1111*, R1112*, R861*, R999*.
Identifiers: ClinVar variation 3374713 (VCV003374713.2).

ClinVar aggregate classification (germline): Likely pathogenic (1 of 4 stars; one submission).

Conditions:
Chopra-Amiel-Gordon syndrome (CAGS). Also called: ANKRD17-Related Neurodevelopmental Syndrome. Identifiers: MedGen C5561975, MONDO:0859186, OMIM 619504.

Submission:

Institute of Human Genetics, University of Goettingen
Classification: Likely pathogenic for Chopra-Amiel-Gordon syndrome. Last evaluated: 2024-11-06. Review status: criteria provided, single submitter. Criteria: ACMG Guidelines, 2015. Collection method: clinical testing. Allele origin: unknown. Inheritance: Sporadic. Affected: yes. Observed: 1 heterozygote.
Comment: The variant c.2995C>T (p.(Arg999*)) in exon 17 of the ANKRD17 gene is not found in the gnomAD database and the variation generates a 'Nonsense' as coding effect. The reading frame is interrupted by a premature STOP codon. Truncating variants in ANKRD17 were described to be a mechanism of disease (PMID: 33909992; gnomAD 4.1.0 pLI-score = 1). ACMG criteria used for classification: PVS1, PM2_SUP.